The following is an entry in ClinVar:

ClinVar aggregate classification (germline): Likely pathogenic (1 of 4 stars; one submission).

Conditions:
Primary ciliary dyskinesia. Also called: Ciliary dyskinesia. Identifiers: Orphanet 244, MedGen C0008780, MONDO:0016575, HP:0012265.

Allele frequency attached by ClinVar (database versions not stated): gnomAD exomes below 0.00001.
gnomAD v4.1: 1 of 1,614,110 alleles (0.000062%); highest among the groups gnomAD compares: Admixed American, 0.0017%; no homozygotes.

Submission:

Labcorp Genetics (formerly Invitae), Labcorp
Classification: Likely pathogenic for Primary ciliary dyskinesia. Last evaluated: 2023-11-09. Review status: criteria provided, single submitter. Criteria: Invitae Variant Classification Sherloc (09022015). Collection method: clinical testing. Allele origin: germline.
Comment: This sequence change affects a donor splice site in intron 6 of the DNAH5 gene. It is expected to disrupt RNA splicing. Variants that disrupt the donor or acceptor splice site typically lead to a loss of protein function (PMID: 16199547), and loss-of-function variants in DNAH5 are known to be pathogenic (PMID: 11788826, 16627867). This variant is present in population databases (no rsID available, gnomAD 0.003%). This variant has not been reported in the literature in individuals affected with DNAH5-related conditions. Algorithms developed to predict the effect of sequence changes on RNA splicing suggest that this variant may disrupt the consensus splice site. In summary, the currently available evidence indicates that the variant is pathogenic, but additional data are needed to prove that conclusively. Therefore, this variant has been classified as Likely Pathogenic.

Literature cited by the submitters: PubMed 16199547; PubMed 11788826; PubMed 16627867.

NM_001369.3(DNAH5):c.798+1G>A

Gene: DNAH5 (dynein axonemal heavy chain 5; minus strand). Cytogenetic location: 5p15.2.
Variant type: single nucleotide variant.
Coding change: c.798+1G>A on transcript NM_001369.3 (MANE Select); the canonical splice donor site of the intron after coding-DNA position 798, G replaced by A.
Molecular consequence: splice donor variant.
Genome position (GRCh38, 1-based): chr5:13,920,479, C>T on the plus strand (G>A on the coding strand, the complement: DNAH5 is on the minus strand). VCF-style: chr5-13920479-C-T. GRCh37 (hg19) VCF-style: chr5-13920588-C-T.
Identifiers: ClinVar variation 2881411 (VCV002881411.3), dbSNP rs1247757066, ClinGen allele CA359220043.